The following is an entry in ClinVar:

NM_000350.3(ABCA4):c.1730del (p.Val577fs)

Gene: ABCA4 (ATP binding cassette subfamily A member 4; minus strand). Cytogenetic location: 1p22.1.
Variant type: Deletion.
Coding change: c.1730del on transcript NM_000350.3 (MANE Select); coding-DNA position 1730, one base deleted (T; older notation c.1730delT).
Protein change: p.Val577fs; shifts the reading frame from valine 577.
Molecular consequence: frameshift variant.
Genome position (GRCh38, 1-based): chr1:94,063,142, A deleted on the plus strand (T on the coding strand, the reverse complement: ABCA4 is on the minus strand). VCF-style (leftmost placement, unchanged base first): chr1-94063141-CA-C. GRCh37 (hg19) VCF-style: chr1-94528697-CA-C.
Other names: c.1730delT, p.Val577Glyfs (NM_001425324.1); short protein forms V577fs.
Identifiers: ClinVar variation 1411249 (VCV001411249.6), dbSNP rs2101079061, ClinGen allele CA2573132708.

ClinVar aggregate classification (germline): Pathogenic (1 of 4 stars; one submission).

Submission:

Labcorp Genetics (formerly Invitae), Labcorp
Classification: Pathogenic. Last evaluated: 2021-09-18. Review status: criteria provided, single submitter. Criteria: Invitae Variant Classification Sherloc (09022015). Collection method: clinical testing. Allele origin: germline.
Comment: For these reasons, this variant has been classified as Pathogenic. This variant has not been reported in the literature in individuals with ABCA4-related conditions. This variant is not present in population databases (ExAC no frequency). This sequence change creates a premature translational stop signal (p.Val577Glyfs*72) in the ABCA4 gene. It is expected to result in an absent or disrupted protein product. Loss-of-function variants in ABCA4 are known to be pathogenic (PMID: 10958761, 24938718, 25312043, 26780318).

Literature cited by the submitters: PubMed 10958761; PubMed 24938718; PubMed 25312043; PubMed 26780318.